The following is an entry in ClinVar:

ClinVar aggregate classification (germline): Likely benign (1 of 4 stars; one submission).

gnomAD v4.1: 25 of 1,578,984 alleles (0.0016%); highest among the groups gnomAD compares: Admixed American, 0.0035%; no homozygotes.

Submission:

CeGaT Center for Human Genetics Tuebingen
Classification: Likely benign. Last evaluated: 2024-11-01. Review status: criteria provided, single submitter. Criteria: CeGaT Center For Human Genetics Tuebingen Variant Classification Criteria Version 2. Collection method: clinical testing. Allele origin: germline. Affected: yes. Observed: 1 variant allele.
Comment: TIE1: BP4

NM_005424.5(TIE1):c.1493-7C>T

Gene: TIE1 (tyrosine kinase with immunoglobulin like and EGF like domains 1; plus strand). Cytogenetic location: 1p34.2.
Variant type: single nucleotide variant.
Coding change: c.1493-7C>T on transcript NM_005424.5 (MANE Select); 7 bases into the intron before coding-DNA position 1493, C replaced by T.
Molecular consequence: intron variant.
Genome position (GRCh38, 1-based): chr1:43,311,987, C>T. VCF-style: chr1-43311987-C-T. GRCh37 (hg19) VCF-style: chr1-43777658-C-T.
Other names: c.1358-7C>T (NM_001253357.2).
Identifiers: ClinVar variation 3389427 (VCV003389427.14).